The following is an entry in ClinVar:

NM_153240.5(NPHP3):c.2310+27del

Genes: NPHP3 (nephrocystin 3; minus strand), NPHP3-ACAD11 (NPHP3-ACAD11 readthrough (NMD candidate); minus strand). Cytogenetic location: 3q22.1.
Variant type: Deletion.
Coding change: c.2310+27del on transcript NM_153240.5 (MANE Select); 27 bases into the intron after coding-DNA position 2310, one base deleted (G; older notation c.2310+27delG).
Molecular consequence: intron variant.
Genome position (GRCh38, 1-based): chr3:132,694,800, C deleted on the plus strand (G on the coding strand, the reverse complement: NPHP3 is on the minus strand); the first of 2 consecutive C bases (chr3:132,694,800-132,694,801); deleting either gives the same sequence. VCF-style (leftmost placement, unchanged base first): chr3-132694799-TC-T. GRCh37 (hg19) VCF-style: chr3-132413643-TC-T.
Identifiers: ClinVar variation 1706153 (VCV001706153.2), dbSNP rs145186423, ClinGen allele CA2622052.

ClinVar aggregate classification (germline): Likely benign (1 of 4 stars; one submission).

Submission:

GeneDx
Classification: Likely benign. Last evaluated: 2020-05-08. Review status: criteria provided, single submitter. Criteria: GeneDx Variant Classification Process June 2021. Collection method: clinical testing. Allele origin: germline. Affected: yes.
Comment: See Variant Classification Assertion Criteria.